The following is an entry in ClinVar:

NM_000742.4(CHRNA2):c.-562GA[8]

Gene: CHRNA2 (cholinergic receptor nicotinic alpha 2 subunit; minus strand). Cytogenetic location: 8p21.2.
Variant type: Microsatellite.
Coding change: c.-562GA[8] on transcript NM_000742.4 (MANE Select); eight copies in a row of the 2-base unit GA starting at c.-562; the reference has seven copies in a row; one copy, 2 bases duplicated.
Molecular consequence: 5 prime UTR variant.
Genome position (GRCh38, 1-based): chr8:27,479,236-27,479,237, TC duplicated on the plus strand (GA on the coding strand, the reverse complement: CHRNA2 is on the minus strand); duplicating any 2 consecutive bases within chr8:27,479,236-27,479,249 gives the same sequence; the position shown is the placement nearest the transcript's 3' end. VCF-style (leftmost placement, unchanged base first): chr8-27479235-T-TTC. GRCh37 (hg19) VCF-style: chr8-27336752-T-TTC.
Other names: c.-562GA[8] (NM_001282455.2); c.-989GA[8] (NM_001347705.2); c.-1034GA[8] (NM_001347706.2); c.-1035GA[8] (NM_001347707.2); c.-1023GA[8] (NM_001347708.2).
Identifiers: ClinVar variation 362713 (VCV000362713.29), dbSNP rs150699126, ClinGen allele CA10625288.

ClinVar aggregate classification (germline): Benign (1 of 4 stars; one submission).

Submission:

CeGaT Center for Human Genetics Tuebingen
Classification: Benign. Last evaluated: 2022-10-01. Review status: criteria provided, single submitter. Criteria: CeGaT Center For Human Genetics Tuebingen Variant Classification Criteria Version 2. Collection method: clinical testing. Allele origin: germline. Affected: yes. Observed: 1 variant allele.
Comment: CHRNA2: BS1, BS2